The following is an entry in ClinVar:

ClinVar aggregate classification (germline): Uncertain significance (1 of 4 stars; one submission).

Submission:

Labcorp Genetics (formerly Invitae), Labcorp
Classification: Uncertain significance. Last evaluated: 2021-03-09. Review status: criteria provided, single submitter. Criteria: Invitae Variant Classification Sherloc (09022015). Collection method: clinical testing. Allele origin: germline.
Comment: This sequence change replaces glycine with cysteine at codon 1523 of the UNC80 protein (p.Gly1523Cys). The glycine residue is weakly conserved and there is a large physicochemical difference between glycine and cysteine. This variant is not present in population databases (ExAC no frequency). This variant has not been reported in the literature in individuals with UNC80-related conditions. Algorithms developed to predict the effect of missense changes on protein structure and function are either unavailable or do not agree on the potential impact of this missense change (SIFT: "Not Available"; PolyPhen-2: "Probably Damaging"; Align-GVGD: "Not Available"). Algorithms developed to predict the effect of sequence changes on RNA splicing suggest that this variant may create or strengthen a splice site, but this prediction has not been confirmed by published transcriptional studies. In summary, the available evidence is currently insufficient to determine the role of this variant in disease. Therefore, it has been classified as a Variant of Uncertain Significance.

NM_001371986.1(UNC80):c.4765G>T (p.Gly1589Cys)

Gene: UNC80 (unc-80 subunit of NALCN channel complex; plus strand). Cytogenetic location: 2q34.
Variant type: single nucleotide variant.
Coding change: c.4765G>T on transcript NM_001371986.1 (MANE Select); coding-DNA position 4765, G replaced by T.
Protein change: p.Gly1589Cys; replaces glycine 1589 with cysteine.
Molecular consequence: missense variant.
Genome position (GRCh38, 1-based): chr2:209,904,948, G>T. VCF-style: chr2-209904948-G-T. GRCh37 (hg19) VCF-style: chr2-210769672-G-T.
Other names: c.4567G>T, p.Gly1523Cys (NM_032504.2); c.4552G>T, p.Gly1518Cys (NM_182587.4); short protein forms G1523C, G1589C, G1518C.
Identifiers: ClinVar variation 1377708 (VCV001377708.6), dbSNP rs2124931069, ClinGen allele CA350755703.
Genomic context (GRCh38, chr2:209,904,948, plus strand): 5'-TATGGAGACAGTGTGGACTCCCTGAGGGAAAGCAGCAACATCAGCAGTGTGGCTCTCCGG[G>T]GCAAGAAACAGAAAGAAGTAAGTAAATGACCATTGAATGATATTCTAATACTAGAAACAT-3'
Protein context (NP_001358915.1, residues 1579-1599): SSNISSVALR[Gly1589Cys]KKQKECSDKS